The following is an entry in ClinVar:

NM_207346.3(TSEN54):c.40G>A (p.Ala14Thr)

Genes: TSEN54 (tRNA splicing endonuclease subunit 54; plus strand), LOC112533671 (Sharpr-MPRA regulatory region 12010; plus strand). Cytogenetic location: 17q25.1.
Variant type: single nucleotide variant.
Coding change: c.40G>A on transcript NM_207346.3 (MANE Select); coding-DNA position 40, G replaced by A.
Protein change: p.Ala14Thr; replaces alanine 14 with threonine.
Molecular consequence: missense variant.
Genome position (GRCh38, 1-based): chr17:75,516,600, G>A. VCF-style: chr17-75516600-G-A. GRCh37 (hg19) VCF-style: chr17-73512681-G-A.
Other names: short protein forms A14T.
Identifiers: ClinVar variation 3030426 (VCV003030426.2), dbSNP rs2053368646, ClinGen allele CA401026865.

ClinVar aggregate classification (germline): Uncertain significance (0 of 4 stars; one submission).

Conditions:
TSEN54-related disorder. Also called: TSEN54-related condition.

Allele frequency attached by ClinVar (database versions not stated): gnomAD exomes 0.00003.

Submission:

PreventionGenetics, part of Exact Sciences
Classification: Uncertain significance for TSEN54-related condition. Last evaluated: 2023-11-27. Review status: no assertion criteria provided. Collection method: clinical testing. Allele origin: germline.
Comment: The TSEN54 c.40G>A variant is predicted to result in the amino acid substitution p.Ala14Thr. To our knowledge, this variant has not been reported in the literature or in a large population database, indicating this variant is rare. At this time, the clinical significance of this variant is uncertain due to the absence of conclusive functional and genetic evidence.